The following is an entry in ClinVar:

ClinVar aggregate classification (germline): Uncertain significance. Review status: criteria provided, multiple submitters, no conflicts (2 of 4 stars). 3 submissions from 3 submitters: Uncertain significance (3). Last evaluated 2025-06-22.

Conditions:
Inborn genetic diseases. Identifiers: MedGen C0950123, MeSH D030342.

Allele frequency attached by ClinVar (database versions not stated): gnomAD 0.00001; ExAC 0.00002; gnomAD exomes 0.00002 and 0.00007; TOPMed 0.00003.
gnomAD v4.1: 97 of 1,614,020 alleles (0.006%); highest among the groups gnomAD compares: Non-Finnish European, 0.0078%; no homozygotes.

Submissions (3):

Ambry Genetics
Classification: Uncertain significance for Inborn genetic diseases. Last evaluated: 2025-06-22. Review status: criteria provided, single submitter. Criteria: Ambry Variant Classification Scheme 2023. Collection method: clinical testing. Allele origin: germline.

GeneDx
Classification: Uncertain significance. Last evaluated: 2025-04-30. Review status: criteria provided, single submitter. Criteria: GeneDx Variant Classification Process June 2021. Collection method: clinical testing. Allele origin: germline.
Comment: Not observed at significant frequency in large population cohorts (gnomAD); In silico analysis indicates that this missense variant does not alter protein structure/function; Has not been previously published as pathogenic or benign to our knowledge

Labcorp Genetics (formerly Invitae), Labcorp
Classification: Uncertain significance. Last evaluated: 2024-12-02. Review status: criteria provided, single submitter. Criteria: Invitae Variant Classification Sherloc (09022015). Collection method: clinical testing. Allele origin: germline.
Comment: This sequence change replaces arginine, which is basic and polar, with cysteine, which is neutral and slightly polar, at codon 1387 of the SZT2 protein (p.Arg1387Cys). This variant is present in population databases (rs751158218, gnomAD 0.006%). This variant has not been reported in the literature in individuals affected with SZT2-related conditions. ClinVar contains an entry for this variant (Variation ID: 844130). Invitae Evidence Modeling of protein sequence and biophysical properties (such as structural, functional, and spatial information, amino acid conservation, physicochemical variation, residue mobility, and thermodynamic stability) indicates that this missense variant is not expected to disrupt SZT2 protein function with a negative predictive value of 80%. In summary, the available evidence is currently insufficient to determine the role of this variant in disease. Therefore, it has been classified as a Variant of Uncertain Significance.

NM_001365999.1(SZT2):c.4330C>T (p.Arg1444Cys)

Gene: SZT2 (SZT2 subunit of KICSTOR complex; plus strand). Cytogenetic location: 1p34.2.
Variant type: single nucleotide variant.
Coding change: c.4330C>T on transcript NM_001365999.1 (MANE Select); coding-DNA position 4330, C replaced by T.
Protein change: p.Arg1444Cys; replaces arginine 1444 with cysteine.
Molecular consequence: missense variant.
Genome position (GRCh38, 1-based): chr1:43,430,032, C>T. VCF-style: chr1-43430032-C-T. GRCh37 (hg19) VCF-style: chr1-43895703-C-T.
Other names: c.4159C>T, p.Arg1387Cys (NM_015284.4); short protein forms R1387C, R1444C.
Identifiers: ClinVar variation 844130 (VCV000844130.10), dbSNP rs751158218, ClinGen allele CA809251.